The following is an entry in ClinVar:

ClinVar aggregate classification (germline): Benign/Likely benign. Review status: criteria provided, multiple submitters, no conflicts (2 of 4 stars). 13 submissions from 10 submitters: Benign (5); Likely benign (6). 2 of the submissions do not count toward it. Last evaluated 2025-12-31.

Conditions:
TTN-related disorder. Also called: TTN-related disorders; TTN-related condition; TTN-related disease.
Dilated cardiomyopathy 1G (CMD1G). Identifiers: Orphanet 154, MedGen C1858763, MONDO:0011400, OMIM 604145.
Autosomal recessive limb-girdle muscular dystrophy type 2J (LGMDR10). Also called: Limb-girdle muscular dystrophy, type 2J; MUSCULAR DYSTROPHY, LIMB-GIRDLE, AUTOSOMAL RECESSIVE 10. Identifiers: Orphanet 140922, MedGen C1837342, MONDO:0012127, OMIM 608807.
Myopathy, myofibrillar, 9, with early respiratory failure (MFM9). Also called: Hereditary myopathy with early respiratory failure; MYOPATHY, PROXIMAL, WITH EARLY RESPIRATORY MUSCLE INVOLVEMENT; Myopathy, distal, with early respiratory failure, autosomal dominant; EDSTROM MYOPATHY. Identifiers: Orphanet 178464, Orphanet 34521, MedGen C1863599, MONDO:0011362, OMIM 603689.
Tibial muscular dystrophy (TMD). Also called: UDD MYOPATHY; Tibial muscular dystrophy, tardive; Udd Distal Myopathy – Tibial Muscular Dystrophy. Identifiers: Orphanet 609, MedGen C1838244, MONDO:0010870, OMIM 600334.
Early-onset myopathy with fatal cardiomyopathy (CMYO5). Also called: Salih Myopathy; CONGENITAL MYOPATHY 5 WITH CARDIOMYOPATHY. Identifiers: Orphanet 289377, MedGen C2673677, MONDO:0012714, OMIM 611705. Disease mechanism: loss of function.

Allele frequency attached by ClinVar (database versions not stated): gnomAD exomes 0.00012 and 0.00035; ExAC 0.00012; gnomAD 0.00014; TOPMed 0.00014.
gnomAD v4.1: 498 of 1,560,104 alleles (0.032%); highest among the groups gnomAD compares: Non-Finnish European, 0.042%; no homozygotes.

Submissions (13):

Labcorp Genetics (formerly Invitae), Labcorp
Classification: Likely benign for Dilated cardiomyopathy 1G; Autosomal recessive limb-girdle muscular dystrophy type 2J. Last evaluated: 2025-12-31. Review status: criteria provided, single submitter. Criteria: Invitae Variant Classification Sherloc (09022015). Collection method: clinical testing. Allele origin: germline.

PreventionGenetics, part of Exact Sciences
Classification: Likely benign for TTN-related condition. Last evaluated: 2025-05-18. Review status: criteria provided, single submitter. Criteria: ACMG Guidelines, 2015. Collection method: clinical testing. Allele origin: germline.
Comment: This variant is classified as likely benign based on ACMG/AMP sequence variant interpretation guidelines (Richards et al. 2015 PMID: 25741868, with internal and published modifications).

CeGaT Center for Human Genetics Tuebingen
Classification: Likely benign. Last evaluated: 2025-05-01. Review status: criteria provided, single submitter. Criteria: CeGaT Center For Human Genetics Tuebingen Variant Classification Criteria Version 2. Collection method: clinical testing. Allele origin: germline. Affected: yes. Observed: 2 variant alleles.
Comment: TTN: BP4, BP7

Molecular Diagnostic Laboratory for Inherited Cardiovascular Disease, Montreal Heart Institute
Classification: Likely benign. Last evaluated: 2025-04-09. Review status: criteria provided, single submitter. Criteria: ACMG Guidelines, 2015. Collection method: clinical testing. Allele origin: germline. Affected: no.
Comment: BP6;BP7

Blueprint Genetics
Classification: Likely benign. Last evaluated: 2024-10-25. Review status: criteria provided, single submitter. Criteria: ACMG Guidelines, 2015. Collection method: clinical testing. Allele origin: germline.

Genome-Nilou Lab
Classification: Benign for Autosomal recessive limb-girdle muscular dystrophy type 2J. Last evaluated: 2021-09-10. Review status: criteria provided, single submitter. Criteria: ACMG Guidelines, 2015. Collection method: clinical testing. Allele origin: germline. Affected: no.

Genome-Nilou Lab
Classification: Benign for Myopathy, myofibrillar, 9, with early respiratory failure. Last evaluated: 2021-09-10. Review status: criteria provided, single submitter. Criteria: ACMG Guidelines, 2015. Collection method: clinical testing. Allele origin: germline. Affected: no.

Genome-Nilou Lab
Classification: Benign for Early-onset myopathy with fatal cardiomyopathy. Last evaluated: 2021-09-10. Review status: criteria provided, single submitter. Criteria: ACMG Guidelines, 2015. Collection method: clinical testing. Allele origin: germline. Affected: no.

Genome-Nilou Lab
Classification: Benign for Tibial muscular dystrophy. Last evaluated: 2021-09-10. Review status: criteria provided, single submitter. Criteria: ACMG Guidelines, 2015. Collection method: clinical testing. Allele origin: germline. Affected: no.

ARUP Laboratories, Molecular Genetics and Genomics, ARUP Laboratories
Classification: Likely benign. Last evaluated: 2021-04-23. Review status: criteria provided, single submitter. Criteria: ARUP Molecular Germline Variant Investigation Process 2021. Collection method: clinical testing. Allele origin: germline.

GeneDx
Classification: Benign. Last evaluated: 2014-05-19. Review status: criteria provided, single submitter. Criteria: GeneDx Variant Classification (06012015). Collection method: clinical testing. Allele origin: germline. Affected: yes.
Comment: This variant is considered likely benign or benign based on one or more of the following criteria: it is a conservative change, it occurs at a poorly conserved position in the protein, it is predicted to be benign by multiple in silico algorithms, and/or has population frequency not consistent with disease.

Clinical Genetics, Academic Medical Center
Classification: Benign. Review status: no assertion criteria provided. Collection method: clinical testing. Allele origin: germline. Affected: yes. Study: VKGL Data-share Consensus. Not counted in ClinVar's aggregate classification.

Joint Genome Diagnostic Labs from Nijmegen and Maastricht, Radboudumc and MUMC+
Classification: Likely benign. Review status: no assertion criteria provided. Collection method: clinical testing. Allele origin: germline. Affected: yes. Study: VKGL Data-share Consensus. Not counted in ClinVar's aggregate classification.

NM_001267550.2(TTN):c.30888A>G (p.Lys10296=)

Gene: TTN (titin; minus strand). Cytogenetic location: 2q31.2.
Variant type: single nucleotide variant.
Coding change: c.30888A>G on transcript NM_001267550.2 (MANE Select); coding-DNA position 30888, A replaced by G.
Protein change: p.Lys10296=; no amino-acid change (lysine 10296 retained).
Molecular consequence: synonymous variant. On other transcripts: intron variant (3).
Genome position (GRCh38, 1-based): chr2:178,696,184, T>C on the plus strand (A>G on the coding strand, the complement: TTN is on the minus strand). VCF-style: chr2-178696184-T-C. GRCh37 (hg19) VCF-style: chr2-179560911-T-C.
Other names: p.K9979K:AAA>AAG; c.29937A>G, p.Lys9979= (NM_001256850.1); c.27156A>G, p.Lys9052= (NM_133378.4); c.13282+41898A>G (NM_003319.4); c.13858+41898A>G (NM_133437.4); c.13657+41898A>G (NM_133432.3).
Identifiers: ClinVar variation 137779 (VCV000137779.53), dbSNP rs587780978, ClinGen allele CA291437.